The following is an entry in ClinVar:

ClinVar aggregate classification (germline): Uncertain significance (1 of 4 stars; one submission).

Allele frequency attached by ClinVar (database versions not stated): ExAC 0.00009.
gnomAD v4.1: 3 of 699,036 alleles (0.00043%); highest among the groups gnomAD compares: South Asian, 0.003%; no homozygotes.

Submission:

Labcorp Genetics (formerly Invitae), Labcorp
Classification: Uncertain significance. Last evaluated: 2021-01-16. Review status: criteria provided, single submitter. Criteria: Invitae Variant Classification Sherloc (09022015). Collection method: clinical testing. Allele origin: germline.
Comment: This variant occurs in the RNU4ATAC gene, which encodes an RNA molecule that does not result in a protein product. While this variant is present in population databases (rs374299350), the frequency information is unreliable, as metrics indicate poor data quality at this position in the ExAC database. This variant has not been reported in the literature in individuals with RNU4ATAC-related conditions. This variant is located within the 5' stem-loop region of the RNU4ATAC RNA, which includes the 15.5K binding site and is important for spliceosome assembly (PMID: 32628740). A significant number of disease-associated RNU4ATAC variants are found in this region (PMID: 32628740, 30368667). In summary, the available evidence is currently insufficient to determine the role of this variant in disease. Therefore, it has been classified as a Variant of Uncertain Significance.

Literature cited by the submitters: PubMed 32628740; PubMed 30368667.

NC_000002.12:g.121530909G>C

Genes: CLASP1 (cytoplasmic linker associated protein 1; minus strand), CLASP1-AS1 (CLASP1 antisense RNA 1; plus strand), RNU4ATAC (RNA, U4atac small nuclear; plus strand). Cytogenetic location: 2q14.2.
Variant type: single nucleotide variant.
Molecular consequence: intron variant (on NM_001395891.1).
Genome position: GRCh38 VCF-style: chr2-121530909-G-C. GRCh37 (hg19) VCF-style: chr2-122288485-G-C.
Other names: c.196-584C>G (NM_001142274.2, NM_015282.3, NM_001378003.1 and 5 more transcripts).
Identifiers: ClinVar variation 1488137 (VCV001488137.8), dbSNP rs374299350, ClinGen allele CA1854688.